The following is an entry in ClinVar:

NM_001386298.1(CIC):c.6074dup (p.Ser2026fs)

Gene: CIC (capicua transcriptional repressor; plus strand). Cytogenetic location: 19q13.2.
Variant type: Duplication.
Coding change: c.6074dup on transcript NM_001386298.1 (MANE Select); coding-DNA position 6074, one base duplicated (C; older notation c.6074dupC).
Protein change: p.Ser2026fs; shifts the reading frame from serine 2026.
Molecular consequence: frameshift variant.
Genome position (GRCh38, 1-based): chr19:42,292,737, C duplicated; the last of 7 consecutive C bases (chr19:42,292,731-42,292,737); duplicating any one gives the same sequence. VCF-style (leftmost placement, unchanged base first): chr19-42292730-G-GC. GRCh37 (hg19) VCF-style: chr19-42796882-G-GC.
Other names: c.6074dupC (NM_001304815.1); c.6074dup, p.Ser2026fs (NM_001304815.2, NM_001379480.1, NM_001379482.1); c.6074dup, p.Ser2026Lysfs (NM_001379483.1); c.3347dup, p.Ser1117fs (NM_001379484.1, NM_001379485.1, NM_015125.5); short protein forms S1117fs, S2026fs.
Identifiers: ClinVar variation 1805941 (VCV001805941.1), dbSNP rs761345552, ClinGen allele CA9472600.

ClinVar aggregate classification (germline): Pathogenic (1 of 4 stars; one submission).

Conditions:
Intellectual developmental disorder, autosomal dominant 45. Also called: MENTAL RETARDATION, AUTOSOMAL DOMINANT 45; Intellectual disability, autosomal dominant 45. Identifiers: MedGen C4539848, MONDO:0030910, OMIM 617600.

Submission:

Victorian Clinical Genetics Services, Murdoch Childrens Research Institute
Classification: Pathogenic for Intellectual developmental disorder, autosomal dominant 45. Last evaluated: 2022-09-02. Review status: criteria provided, single submitter. Criteria: ACMG Guidelines, 2015. Collection method: clinical testing. Allele origin: germline. Inheritance: Autosomal dominant inheritance. Affected: yes.
Comment: Based on the classification scheme VCGS_Germline_v1.3.4, this variant is classified as Pathogenic. Following criteria are met: 0102 - Loss of function is a known mechanism of disease in this gene and is associated with autosomal dominant intellectual developmental disorder 45 (MIM# 617600). (I) 0107 - This gene is associated with autosomal dominant disease. (I) 0201 - Variant is predicted to cause nonsense-mediated decay (NMD) and loss of protein (premature termination codon is located at least 54 nucleotides upstream of the final exon-exon junction). (SP) 0251 - This variant is heterozygous. (I) 0301 - Variant is absent from gnomAD (both v2 and v3). (SP) 0701 - Other NMD-predicted variants comparable to the one identified in this case have very strong previous evidence for pathogenicity. NMD-predicted variants in this gene are well-reported as pathogenic in ClinVar and the literature (PMID: 28288114). (SP) 0807 - This variant has no previous evidence of pathogenicity. (I) 0905 - No published segregation evidence has been identified for this variant. (I) 1007 - No published functional evidence has been identified for this variant. (I) Legend: (SP) - Supporting pathogenic, (I) - Information, (SB) - Supporting benign

Literature cited by the submitters: PubMed 28288114.